The following is an entry in ClinVar:

NM_003036.4(SKI):c.1599C>T (p.Asp533=)

Gene: SKI (SKI proto-oncogene; plus strand). Cytogenetic location: 1p36.32.
Variant type: single nucleotide variant.
Coding change: c.1599C>T on transcript NM_003036.4 (MANE Select); coding-DNA position 1599, C replaced by T.
Protein change: p.Asp533=; no amino-acid change (aspartic acid 533 retained).
Molecular consequence: synonymous variant.
Genome position (GRCh38, 1-based): chr1:2,304,417, C>T. VCF-style: chr1-2304417-C-T. GRCh37 (hg19) VCF-style: chr1-2235856-C-T.
Other names: c.1599C>T (NM_003036.3).
Identifiers: ClinVar variation 1596863 (VCV001596863.11), dbSNP rs758323266, ClinGen allele CA536758.

ClinVar aggregate classification (germline): Likely benign. Review status: criteria provided, multiple submitters, no conflicts (2 of 4 stars). 3 submissions from 3 submitters: Likely benign (2). 1 of the submissions does not count toward it. Last evaluated 2024-10-21.

Conditions:
SKI-related disorder. Also called: SKI-related condition.
Shprintzen-Goldberg syndrome (SGS). Also called: SHPRINTZEN-GOLDBERG CRANIOSYNOSTOSIS SYNDROME; CRANIOSYNOSTOSIS WITH ARACHNODACTYLY AND ABDOMINAL HERNIAS; Marfanoid disorder with craniosynostosis type 1; Marfanoid craniosynostosis syndrome; Shprintzen-Goldberg marfanoid syndrome. Identifiers: Orphanet 2462, MedGen C1321551, MONDO:0008426, OMIM 182212.

Allele frequency attached by ClinVar (database versions not stated): gnomAD 0.00001; TOPMed 0.00001; gnomAD exomes 0.00002.
gnomAD v4.1: 26 of 1,555,074 alleles (0.0017%); highest among the groups gnomAD compares: South Asian, 0.0059%; no homozygotes.

Submissions (3):

Labcorp Genetics (formerly Invitae), Labcorp
Classification: Likely benign for Shprintzen-Goldberg syndrome. Last evaluated: 2024-10-21. Review status: criteria provided, single submitter. Criteria: Invitae Variant Classification Sherloc (09022015). Collection method: clinical testing. Allele origin: germline.

Blueprint Genetics
Classification: Likely benign. Last evaluated: 2022-07-05. Review status: criteria provided, single submitter. Criteria: ACMG Guidelines, 2015. Collection method: clinical testing. Allele origin: germline.

PreventionGenetics, part of Exact Sciences
Classification: Likely benign for SKI-related condition. Last evaluated: 2021-01-11. Review status: no assertion criteria provided. Collection method: clinical testing. Allele origin: germline. Not counted in ClinVar's aggregate classification.
Comment: This variant is classified as likely benign based on ACMG/AMP sequence variant interpretation guidelines (Richards et al. 2015 PMID: 25741868, with internal and published modifications).